The following is an entry in ClinVar:

NM_000443.4(ABCB4):c.1357-40A>G

Gene: ABCB4 (ATP binding cassette subfamily B member 4; minus strand). Cytogenetic location: 7q21.12.
Variant type: single nucleotide variant.
Coding change: c.1357-40A>G on transcript NM_000443.4 (MANE Select); 40 bases into the intron before coding-DNA position 1357, A replaced by G.
Molecular consequence: intron variant.
Genome position (GRCh38, 1-based): chr7:87,440,442, T>C on the plus strand (A>G on the coding strand, the complement: ABCB4 is on the minus strand). VCF-style: chr7-87440442-T-C. GRCh37 (hg19) VCF-style: chr7-87069758-T-C.
Other names: c.1357-40A>G (NM_018850.3, NM_018849.3).
Identifiers: ClinVar variation 1188877 (VCV001188877.7), dbSNP rs31675, ClinGen allele CA4327302.

ClinVar aggregate classification (germline): Benign. Review status: criteria provided, multiple submitters, no conflicts (2 of 4 stars). 5 submissions from 4 submitters: Benign (5). Last evaluated 2026-04-14.

Conditions:
Low phospholipid associated cholelithiasis (GBD1). Also called: Gallbladder disease 1; Gallstone cholecystitis. Identifiers: Orphanet 69663, MedGen C2609268, MONDO:0010939, OMIM 600803.
Familial intrahepatic cholestasis. Identifiers: Orphanet 284385, MedGen CN296401, MONDO:0017290.
Cholestasis, intrahepatic, of pregnancy, 3. Identifiers: Orphanet 69665, MedGen C3554241, MONDO:0013995, OMIM 614972.
Progressive familial intrahepatic cholestasis type 3. Also called: Low Gamma-GT Familial Intrahepatic Cholestasis; MDR3 DEFICIENCY. Identifiers: Orphanet 79305, MedGen C1865643, MONDO:0011214, OMIM 602347.

Allele frequency attached by ClinVar (database versions not stated): 1000 Genomes Project 0.87819; 1000 Genomes Project 30x 0.87945; gnomAD exomes 0.89940 and 0.91673; ExAC 0.90368; TOPMed 0.92002; gnomAD 0.92206 and 0.92657; ESP Exome Variant Server 0.93118.
gnomAD v4.1: 1,434,570 of 1,564,556 alleles (92%); highest among the groups gnomAD compares: African/African-American, 95%; 659,096 homozygotes.

Submissions (5):

Genomenon, Inc
Classification: Benign for Familial intrahepatic cholestasis; Low phospholipid associated cholelithiasis. Last evaluated: 2026-04-14. Review status: criteria provided, single submitter. Criteria: Genomenon Sequence Variant Interpretation Standards - Updated. Collection method: curation. Allele origin: germline. Affected: no.
Comment: ABCB4 c.1357-40A>G is an intronic variant located in intron 12. This variant is present at high allele frequency in population databases. We classify ABCB4 c.1357-40A>G as a benign variant.

Genome-Nilou Lab
Classification: Benign for Cholestasis, intrahepatic, of pregnancy, 3. Last evaluated: 2021-07-14. Review status: criteria provided, single submitter. Criteria: ACMG Guidelines, 2015. Collection method: clinical testing. Allele origin: germline. Affected: no.

Genome-Nilou Lab
Classification: Benign for Progressive familial intrahepatic cholestasis type 3. Last evaluated: 2021-07-14. Review status: criteria provided, single submitter. Criteria: ACMG Guidelines, 2015. Collection method: clinical testing. Allele origin: germline. Affected: no.

GeneDx
Classification: Benign. Last evaluated: 2018-06-29. Review status: criteria provided, single submitter. Criteria: GeneDx Variant Classification Process June 2021. Collection method: clinical testing. Allele origin: germline. Affected: yes.

Breakthrough Genomics
Classification: Benign. Review status: criteria provided, single submitter. Criteria: ACMG Guidelines, 2015. Collection method: not provided. Allele origin: germline. Inheritance: Autosomal recessive inheritance. Affected: yes.